The following is an entry in ClinVar:

ClinVar aggregate classification (germline): Pathogenic/Likely pathogenic. Review status: criteria provided, multiple submitters, no conflicts (2 of 4 stars). 3 submissions from 3 submitters: Pathogenic (1); Likely pathogenic (2). Last evaluated 2025-11-05.

Conditions:
Autosomal dominant ichthyosis vulgaris. Identifiers: MedGen C0432300, MONDO:0007810.
Dermatitis, atopic, 2. Identifiers: MedGen C1853965, MONDO:0011596, OMIM 605803.
Ichthyosis vulgaris. Also called: ICHTHYOSIS SIMPLEX; Dominant ichthyosis vulgaris. Identifiers: MedGen C0079584, MONDO:0024304, OMIM 146700.
FLG-related disorder. Also called: FLG-related disorders; FLG-related condition.

Submissions (3):

GeneDx
Classification: Pathogenic. Last evaluated: 2025-11-05. Review status: criteria provided, single submitter. Criteria: GeneDx Variant Classification Process June 2021. Collection method: clinical testing. Allele origin: germline. Affected: yes.
Comment: Reported in the published literature, as c.477-478insA due to alternate nomenclature, in trans with a second FLG variant in the proband with mild ichthyosis, but in the heterozygous state in multiple affected relatives with more marked symptoms (PMID: 22299762); Frameshift variant predicted to result in abnormal protein length as the last 3902 amino acids are replaced with 9 different amino acids, and other similar variants have been reported in HGMD; This variant is associated with the following publications: (PMID: 38564302, 22299762)

Department of Pathology and Laboratory Medicine, Sinai Health System
Classification: Likely pathogenic for autosomal dominant ichthyosis vulgaris. Last evaluated: 2022-02-11. Review status: criteria provided, single submitter. Criteria: ACMG Guidelines, 2015. Collection method: research. Allele origin: germline.

Juno Genomics, Hangzhou Juno Genomics, Inc
Classification: Likely pathogenic for Dermatitis, atopic, 2; Ichthyosis vulgaris. Review status: criteria provided, single submitter. Criteria: ACMG Guidelines, 2015. Collection method: clinical testing. Allele origin: germline.
Comment: Absent from controls (or at extremely low frequency if recessive) in Genome Aggregation Database.;Null variant in a gene where loss of function (LOF) is a known mechanism of disease.;Co-segregation with disease in multiple affected family members.

NM_002016.2(FLG):c.477dup (p.Glu160fs)

Genes: CCDST (cervical cancer associated DHX9 suppressive transcript; plus strand), FLG (filaggrin; minus strand). Cytogenetic location: 1q21.3.
Variant type: Duplication.
Coding change: c.477dup on transcript NM_002016.2 (MANE Select); coding-DNA position 477, one base duplicated (A; older notation c.477dupA).
Protein change: p.Glu160fs; shifts the reading frame from glutamic acid 160.
Molecular consequence: frameshift variant.
Genome position (GRCh38, 1-based): chr1:152,314,409, T duplicated on the plus strand (A on the coding strand, the reverse complement: FLG is on the minus strand); the first of 8 consecutive T bases (chr1:152,314,409-152,314,416); duplicating any one gives the same sequence. VCF-style (leftmost placement, unchanged base first): chr1-152314408-C-CT. GRCh37 (hg19) VCF-style: chr1-152286884-C-CT.
Other names: c.477dupA (NM_002016.1); short protein forms E160fs.
Identifiers: ClinVar variation 504216 (VCV000504216.13), dbSNP rs746683647, ClinGen allele CA1107991.